The following is an entry in ClinVar:

NM_002691.4(POLD1):c.2184C>G (p.Ile728Met)

Gene: POLD1 (DNA polymerase delta 1, catalytic subunit; plus strand). Cytogenetic location: 19q13.33.
Variant type: single nucleotide variant.
Coding change: c.2184C>G on transcript NM_002691.4 (MANE Select); coding-DNA position 2184, C replaced by G.
Protein change: p.Ile728Met; replaces isoleucine 728 with methionine.
Molecular consequence: missense variant. On other transcripts: non-coding transcript variant (1).
Genome position (GRCh38, 1-based): chr19:50,413,455, C>G. VCF-style: chr19-50413455-C-G. GRCh37 (hg19) VCF-style: chr19-50916712-C-G.
Other names: c.2184C>G, p.Ile728Met (NM_001256849.1); c.2262C>G, p.Ile754Met (NM_001308632.1); short protein forms I728M, I754M.
Identifiers: ClinVar variation 1009461 (VCV001009461.10), dbSNP rs868099791, ClinGen allele CA406983554.
Genomic context (GRCh38, chr19:50,413,455, plus strand): 5'-GCTTCACTCCGCATGATTCTCTCCCCGACAGAGCGTCACGGGGTTCGGACGTCAGATGAT[C>G]GAGAAAACCAAGCAGCTGGTGGAGTCTAAGTACACAGTGGAGAATGGCTACAGCACCAGT-3'
Protein context (NP_002682.2, residues 718-738): QSVTGFGRQM[Ile728Met]EKTKQLVESK

ClinVar aggregate classification (germline): Uncertain significance. Review status: criteria provided, multiple submitters, no conflicts (2 of 4 stars). 2 submissions from 2 submitters: Uncertain significance (2). Last evaluated 2025-04-09.

Conditions:
Hereditary cancer-predisposing syndrome. Also called: Tumor predisposition; Hereditary Cancer Syndrome; Hereditary neoplastic syndrome; Neoplastic Syndromes, Hereditary. Identifiers: Orphanet 140162, MedGen C0027672, MeSH D009386, MONDO:0015356.
POLD1-related polyposis and colorectal cancer syndrome (CRCS10). Also called: Colorectal cancer 10; COLORECTAL CANCER, SUSCEPTIBILITY TO, ON CHROMOSOME 19q; Colorectal cancer, susceptibility to, 10. Identifiers: Orphanet 220460, MedGen C2675481, MONDO:0012953, OMIM 612591.

Submissions (2):

Labcorp Genetics (formerly Invitae), Labcorp
Classification: Uncertain significance for POLD1-related polyposis and colorectal cancer syndrome. Last evaluated: 2025-04-09. Review status: criteria provided, single submitter. Criteria: Invitae Variant Classification Sherloc (09022015). Collection method: clinical testing. Allele origin: germline.
Comment: This sequence change replaces isoleucine, which is neutral and non-polar, with methionine, which is neutral and non-polar, at codon 728 of the POLD1 protein (p.Ile728Met). This variant is not present in population databases (gnomAD no frequency). This variant has not been reported in the literature in individuals affected with POLD1-related conditions. ClinVar contains an entry for this variant (Variation ID: 1009461). Invitae Evidence Modeling of protein sequence and biophysical properties (such as structural, functional, and spatial information, amino acid conservation, physicochemical variation, residue mobility, and thermodynamic stability) indicates that this missense variant is expected to disrupt POLD1 protein function with a positive predictive value of 80%. In summary, the available evidence is currently insufficient to determine the role of this variant in disease. Therefore, it has been classified as a Variant of Uncertain Significance.

Ambry Genetics
Classification: Uncertain significance for Hereditary cancer-predisposing syndrome. Last evaluated: 2025-02-05. Review status: criteria provided, single submitter. Criteria: Ambry Variant Classification Scheme 2023. Collection method: clinical testing. Allele origin: germline.
Comment: The p.I728M variant (also known as c.2184C>G), located in coding exon 17 of the POLD1 gene, results from a C to G substitution at nucleotide position 2184. The isoleucine at codon 728 is replaced by methionine, an amino acid with highly similar properties. This amino acid position is conserved. In addition, the in silico prediction for this alteration is inconclusive. Based on the available evidence, the clinical significance of this variant remains unclear.